The following is an entry in ClinVar:

NM_152594.3(SPRED1):c.136A>C (p.Lys46Gln)

Gene: SPRED1 (sprouty related EVH1 domain containing 1; plus strand). Cytogenetic location: 15q14.
Variant type: single nucleotide variant.
Coding change: c.136A>C on transcript NM_152594.3 (MANE Select); coding-DNA position 136, A replaced by C.
Protein change: p.Lys46Gln; replaces lysine 46 with glutamine.
Molecular consequence: missense variant.
Genome position (GRCh38, 1-based): chr15:38,299,476, A>C. VCF-style: chr15-38299476-A-C. GRCh37 (hg19) VCF-style: chr15-38591677-A-C.
Other names: short protein forms K46Q.
Identifiers: ClinVar variation 3961363 (VCV003961363.1).

ClinVar aggregate classification (germline): Uncertain significance (1 of 4 stars; one submission).

Conditions:
Cardiovascular phenotype. Identifiers: MedGen CN230736.

Submission:

Ambry Genetics
Classification: Uncertain significance for Cardiovascular phenotype. Last evaluated: 2025-03-22. Review status: criteria provided, single submitter. Criteria: Ambry Variant Classification Scheme 2023. Collection method: clinical testing. Allele origin: germline.
Comment: The p.K46Q variant (also known as c.136A>C), located in coding exon 2 of the SPRED1 gene, results from an A to C substitution at nucleotide position 136. The lysine at codon 46 is replaced by glutamine, an amino acid with similar properties. This amino acid position is conserved. In addition, the in silico prediction for this alteration is inconclusive. Based on the available evidence, the clinical significance of this variant remains unclear.